The following is an entry in ClinVar:

NM_001375567.1(FOCAD):c.3930C>T (p.Val1310=)

Gene: FOCAD (focadhesin; plus strand). Cytogenetic location: 9p21.3.
Variant type: single nucleotide variant.
Coding change: c.3930C>T on transcript NM_001375567.1 (MANE Select); coding-DNA position 3930, C replaced by T.
Protein change: p.Val1310=; no amino-acid change (valine 1310 retained).
Molecular consequence: synonymous variant.
Genome position (GRCh38, 1-based): chr9:20,949,657, C>T. VCF-style: chr9-20949657-C-T. GRCh37 (hg19) VCF-style: chr9-20949656-C-T.
Other names: c.3930C>T (NM_017794.4); c.3825C>T, p.Val1275= (NM_001375568.1, NM_001375570.1); c.3930C>T, p.Val1310= (NM_017794.5).
Identifiers: ClinVar variation 2787856 (VCV002787856.4), dbSNP rs187226133, ClinGen allele CA5007748.

ClinVar aggregate classification (germline): Likely benign. Review status: criteria provided, multiple submitters, no conflicts (2 of 4 stars). 2 submissions from 2 submitters: Likely benign (2). Last evaluated 2025-08-14.

Conditions:
FOCAD-related disorder. Also called: FOCAD-related condition.

Allele frequency attached by ClinVar (database versions not stated): gnomAD exomes below 0.00001; ExAC 0.00002; gnomAD 0.00005; TOPMed 0.00005; 1000 Genomes Project 0.00040; 1000 Genomes Project 30x 0.00062.
gnomAD v4.1: 16 of 1,612,738 alleles (0.00099%); highest among the groups gnomAD compares: Admixed American, 0.013%; no homozygotes.

Submissions (2):

PreventionGenetics, part of Exact Sciences
Classification: Likely benign for FOCAD-related condition. Last evaluated: 2025-08-14. Review status: criteria provided, single submitter. Criteria: ACMG Guidelines, 2015. Collection method: clinical testing. Allele origin: germline.
Comment: This variant is classified as likely benign based on ACMG/AMP sequence variant interpretation guidelines (Richards et al. 2015 PMID: 25741868, with internal and published modifications).

Labcorp Genetics (formerly Invitae), Labcorp
Classification: Likely benign. Last evaluated: 2025-06-02. Review status: criteria provided, single submitter. Criteria: Invitae Variant Classification Sherloc (09022015). Collection method: clinical testing. Allele origin: germline.